The following is an entry in ClinVar:

ClinVar aggregate classification (germline): Uncertain significance (1 of 4 stars; one submission).

Allele frequency attached by ClinVar (database versions not stated): gnomAD exomes below 0.00001.
gnomAD v4.1: 4 of 1,613,860 alleles (0.00025%); highest among the groups gnomAD compares: Non-Finnish European, 0.00034%; no homozygotes.

Submission:

Labcorp Genetics (formerly Invitae), Labcorp
Classification: Uncertain significance. Last evaluated: 2022-08-21. Review status: criteria provided, single submitter. Criteria: Invitae Variant Classification Sherloc (09022015). Collection method: clinical testing. Allele origin: germline.
Comment: This variant has not been reported in the literature in individuals affected with FARSB-related conditions. Algorithms developed to predict the effect of missense changes on protein structure and function are either unavailable or do not agree on the potential impact of this missense change (SIFT: "Deleterious"; PolyPhen-2: "Probably Damaging"; Align-GVGD: "Class C0"). In summary, the available evidence is currently insufficient to determine the role of this variant in disease. Therefore, it has been classified as a Variant of Uncertain Significance. This variant is not present in population databases (gnomAD no frequency). This sequence change replaces histidine, which is basic and polar, with tyrosine, which is neutral and polar, at codon 565 of the FARSB protein (p.His565Tyr).

NM_005687.5(FARSB):c.1693C>T (p.His565Tyr)

Gene: FARSB (phenylalanyl-tRNA synthetase subunit beta; minus strand). Cytogenetic location: 2q36.1.
Variant type: single nucleotide variant.
Coding change: c.1693C>T on transcript NM_005687.5 (MANE Select); coding-DNA position 1693, C replaced by T.
Protein change: p.His565Tyr; replaces histidine 565 with tyrosine.
Molecular consequence: missense variant. On other transcripts: non-coding transcript variant (1).
Genome position (GRCh38, 1-based): chr2:222,571,948, G>A on the plus strand (C>T on the coding strand, the complement: FARSB is on the minus strand). VCF-style: chr2-222571948-G-A. GRCh37 (hg19) VCF-style: chr2-223436667-G-A.
Other names: short protein forms H565Y.
Identifiers: ClinVar variation 1717480 (VCV001717480.5), dbSNP rs2469344393, ClinGen allele CA350805459.